The following is an entry in ClinVar:

ClinVar aggregate classification (germline): Uncertain significance (1 of 4 stars; one submission).

Allele frequency attached by ClinVar (database versions not stated): TOPMed below 0.00001; ExAC 0.00001; gnomAD 0.00001; gnomAD exomes 0.00002.
gnomAD v4.1: 25 of 1,206,624 alleles (0.0021%); highest among the groups gnomAD compares: Middle Eastern, 0.023%; no homozygotes.

Submission:

CeGaT Center for Human Genetics Tuebingen
Classification: Uncertain significance. Last evaluated: 2023-03-01. Review status: criteria provided, single submitter. Criteria: CeGaT Center For Human Genetics Tuebingen Variant Classification Criteria Version 2. Collection method: clinical testing. Allele origin: germline. Affected: yes. Observed: 2 variant alleles.
Comment: MXRA5: PM2, BP4

NM_015419.4(MXRA5):c.931T>A (p.Phe311Ile)

Gene: MXRA5 (matrix remodeling associated 5; minus strand). Cytogenetic location: Xp22.33.
Variant type: single nucleotide variant.
Coding change: c.931T>A on transcript NM_015419.4 (MANE Select); coding-DNA position 931, T replaced by A.
Protein change: p.Phe311Ile; replaces phenylalanine 311 with isoleucine.
Molecular consequence: missense variant.
Genome position (GRCh38, 1-based): chrX:3,324,754, A>T on the plus strand (T>A on the coding strand, the complement: MXRA5 is on the minus strand). VCF-style: chrX-3324754-A-T. GRCh37 (hg19) VCF-style: chrX-3242795-A-T.
Other names: short protein forms F311I.
Identifiers: ClinVar variation 2659887 (VCV002659887.24), dbSNP rs749296423, ClinGen allele CA10340412.